The following is an entry in ClinVar:

ClinVar aggregate classification (germline): Likely pathogenic (1 of 4 stars; one submission).

Conditions:
Hereditary leiomyomatosis and renal cell cancer. Also called: MULTIPLE CUTANEOUS AND UTERINE LEIOMYOMATA 1, WITH OR WITHOUT RENAL CELL CARCINOMA; Multiple cutaneous leiomyomas; LEIOMYOMA, MULTIPLE CUTANEOUS; Familial leiomyomatosis; Reed syndrome; Multiple cutaneous and uterine leiomyomatosis. Identifiers: Orphanet 523, MedGen C1708350, MONDO:0007888, OMIM 150800, HP:0007437. Disease mechanism: loss of function.

Submission:

Myriad Genetics, Inc.
Classification: Likely pathogenic for Hereditary leiomyomatosis and renal cell cancer. Last evaluated: 2023-08-28. Review status: criteria provided, single submitter. Criteria: Myriad Autosomal Dominant, Autosomal Recessive and X-Linked Classification Criteria (2023). Collection method: clinical testing. Allele origin: unknown.
Comment: This variant is considered likely pathogenic. This variant occurs within a consensus splice junction and is predicted to result in abnormal mRNA splicing of either an out-of-frame exon or an in-frame exon necessary for protein stability and/or normal function.

NM_000143.4(FH):c.1236+2T>A

Gene: FH (fumarate hydratase; minus strand). Cytogenetic location: 1q43.
Variant type: single nucleotide variant.
Coding change: c.1236+2T>A on transcript NM_000143.4 (MANE Select); the canonical splice donor site of the intron after coding-DNA position 1236, T replaced by A.
Molecular consequence: splice donor variant.
Genome position (GRCh38, 1-based): chr1:241,502,441, A>T on the plus strand (T>A on the coding strand, the complement: FH is on the minus strand). VCF-style: chr1-241502441-A-T. GRCh37 (hg19) VCF-style: chr1-241665741-A-T.
Identifiers: ClinVar variation 2673385 (VCV002673385.1), dbSNP rs2527316491, ClinGen allele CA345437202.
Genomic context (GRCh38, chr1:241,502,441, plus strand): 5'-ATACAAAACCAAGATAATAAGCCTTTGGTCAAAAAACATTAAAAATCAGATTTAAAGCTT[A>T]CCATCATTGGCTTGAAAACATTCAACTCAAAATGTCCATTGCTGCCTCCGACAGTGACAG-3'